The following is an entry in ClinVar:

ClinVar aggregate classification (germline): Uncertain significance (1 of 4 stars; one submission).

Submission:

Ambry Genetics
Classification: Uncertain significance. Last evaluated: 2025-02-28. Review status: criteria provided, single submitter. Criteria: Ambry Variant Classification Scheme 2023. Collection method: clinical testing. Allele origin: germline.
Comment: The p.C32Y variant (also known as c.95G>A), located in coding exon 2 of the RAD51B gene, results from a G to A substitution at nucleotide position 95. The cysteine at codon 32 is replaced by tyrosine, an amino acid with highly dissimilar properties. This amino acid position is conserved. In addition, this alteration is predicted to be tolerated by in silico analysis. Based on the available evidence, the clinical significance of this variant remains unclear.

NM_133510.4(RAD51B):c.95G>A (p.Cys32Tyr)

Gene: RAD51B (RAD51 paralog B; plus strand). Cytogenetic location: 14q24.1.
Variant type: single nucleotide variant.
Coding change: c.95G>A on transcript NM_133510.4 (MANE Select); coding-DNA position 95, G replaced by A.
Protein change: p.Cys32Tyr; replaces cysteine 32 with tyrosine.
Molecular consequence: missense variant. On other transcripts: 5 prime UTR variant (2).
Genome position (GRCh38, 1-based): chr14:67,825,474, G>A. VCF-style: chr14-67825474-G-A. GRCh37 (hg19) VCF-style: chr14-68292191-G-A.
Other names: c.95G>A, p.Cys32Tyr (NM_001321809.2, NM_001321810.2, NM_001321812.1 and 6 more transcripts); c.-20G>A (NM_001321815.1); c.-361G>A (NM_001321817.2); short protein forms C32Y.
Identifiers: ClinVar variation 3786468 (VCV003786468.1).
Genomic context (GRCh38, chr14:67,825,474, plus strand): 5'-TATCTTTGTTACACATATATGTTTAAAATACTCTCTTTATGTTTCTTTAGGACTTTTTAT[G>A]TCTTTCCCCACTGGAGCTTATGAAGGTGACTGGTCTGAGTTATCGAGGTGTCCATGAACT-3'
Protein context (NP_598194.1, residues 22-42): HQILTCQDFL[Cys32Tyr]LSPLELMKVT